The following is an entry in ClinVar:

NM_001292063.2(OTOG):c.8084C>A (p.Ala2695Glu)

Gene: OTOG (otogelin; plus strand). Cytogenetic location: 11p15.1.
Variant type: single nucleotide variant.
Coding change: c.8084C>A on transcript NM_001292063.2 (MANE Select); coding-DNA position 8084, C replaced by A.
Protein change: p.Ala2695Glu; replaces alanine 2695 with glutamic acid.
Molecular consequence: missense variant.
Genome position (GRCh38, 1-based): chr11:17,640,985, C>A. VCF-style: chr11-17640985-C-A. GRCh37 (hg19) VCF-style: chr11-17662532-C-A.
Other names: c.8120C>A, p.Ala2707Glu (NM_001277269.2); short protein forms A2707E, A2695E.
Identifiers: ClinVar variation 1357164 (VCV001357164.8), dbSNP rs1043470591, ClinGen allele CA218456019.

ClinVar aggregate classification (germline): Uncertain significance (1 of 4 stars; one submission).

Allele frequency attached by ClinVar (database versions not stated): gnomAD exomes below 0.00001 and 0.00001.
gnomAD v4.1: 2 of 1,548,560 alleles (0.00013%); highest among the groups gnomAD compares: Admixed American, 0.002%; no homozygotes.

Submission:

Labcorp Genetics (formerly Invitae), Labcorp
Classification: Uncertain significance. Last evaluated: 2023-05-02. Review status: criteria provided, single submitter. Criteria: Invitae Variant Classification Sherloc (09022015). Collection method: clinical testing. Allele origin: germline.
Comment: This sequence change replaces alanine, which is neutral and non-polar, with glutamic acid, which is acidic and polar, at codon 2707 of the OTOG protein (p.Ala2707Glu). The frequency data for this variant in the population databases is considered unreliable, as metrics indicate poor data quality at this position in the gnomAD database. This variant has not been reported in the literature in individuals affected with OTOG-related conditions. ClinVar contains an entry for this variant (Variation ID: 1357164). An algorithm developed to predict the effect of missense changes on protein structure and function (PolyPhen-2) suggests that this variant is likely to be tolerated. In summary, the available evidence is currently insufficient to determine the role of this variant in disease. Therefore, it has been classified as a Variant of Uncertain Significance.